The following is an entry in ClinVar:

NM_199420.4(POLQ):c.3342C>A (p.Phe1114Leu)

Gene: POLQ (DNA polymerase theta; minus strand). Cytogenetic location: 3q13.33.
Variant type: single nucleotide variant.
Coding change: c.3342C>A on transcript NM_199420.4 (MANE Select); coding-DNA position 3342, C replaced by A.
Protein change: p.Phe1114Leu; replaces phenylalanine 1114 with leucine.
Molecular consequence: missense variant.
Genome position (GRCh38, 1-based): chr3:121,489,589, G>T on the plus strand (C>A on the coding strand, the complement: POLQ is on the minus strand). VCF-style: chr3-121489589-G-T. GRCh37 (hg19) VCF-style: chr3-121208436-G-T.
Other names: short protein forms F1114L.
Identifiers: ClinVar variation 1730429 (VCV001730429.2), dbSNP rs2546787503, ClinGen allele CA354100560.

ClinVar aggregate classification (germline): Uncertain significance (1 of 4 stars; one submission).

gnomAD v4.1: 1 of 1,612,866 alleles (0.000062%); highest among the groups gnomAD compares: Non-Finnish European, 0.000085%; no homozygotes.

Submission:

Ambry Genetics
Classification: Uncertain significance. Last evaluated: 2021-12-29. Review status: criteria provided, single submitter. Criteria: Ambry Variant Classification Scheme 2023. Collection method: clinical testing. Allele origin: germline.
Comment: The p.F1114L variant (also known as c.3342C>A), located in coding exon 16 of the POLQ gene, results from a C to A substitution at nucleotide position 3342. The phenylalanine at codon 1114 is replaced by leucine, an amino acid with highly similar properties. This amino acid position is conserved. In addition, this alteration is predicted to be tolerated by in silico analysis. Since supporting evidence is limited at this time, the clinical significance of this alteration remains unclear.